The following is an entry in ClinVar:

ClinVar aggregate classification (germline): Uncertain significance (1 of 4 stars; one submission).

Conditions:
Hereditary diffuse gastric adenocarcinoma (HDGC). Also called: DIFFUSE GASTRIC AND LOBULAR BREAST CANCER SYNDROME. Identifiers: Orphanet 26106, MedGen C1708349, MONDO:0007648, OMIM 137215.

gnomAD v4.1: 1 of 1,612,802 alleles (0.000062%); highest among the groups gnomAD compares: East Asian, 0.0022%; no homozygotes.

Submission:

Labcorp Genetics (formerly Invitae), Labcorp
Classification: Uncertain significance for Hereditary diffuse gastric adenocarcinoma. Last evaluated: 2022-02-06. Review status: criteria provided, single submitter. Criteria: Invitae Variant Classification Sherloc (09022015). Collection method: clinical testing. Allele origin: germline.
Comment: This variant has not been reported in the literature in individuals affected with CDH1-related conditions. This variant is not present in population databases (gnomAD no frequency). This sequence change replaces leucine, which is neutral and non-polar, with proline, which is neutral and non-polar, at codon 714 of the CDH1 protein (p.Leu714Pro). Algorithms developed to predict the effect of missense changes on protein structure and function (SIFT, PolyPhen-2, Align-GVGD) all suggest that this variant is likely to be disruptive. In summary, the available evidence is currently insufficient to determine the role of this variant in disease. Therefore, it has been classified as a Variant of Uncertain Significance.

NM_004360.5(CDH1):c.2141T>C (p.Leu714Pro)

Gene: CDH1 (cadherin 1; plus strand). Cytogenetic location: 16q22.1.
Variant type: single nucleotide variant.
Coding change: c.2141T>C on transcript NM_004360.5 (MANE Select); coding-DNA position 2141, T replaced by C.
Protein change: p.Leu714Pro; replaces leucine 714 with proline.
Molecular consequence: missense variant.
Genome position (GRCh38, 1-based): chr16:68,823,603, T>C. VCF-style: chr16-68823603-T-C. GRCh37 (hg19) VCF-style: chr16-68857506-T-C.
Other names: c.1958T>C, p.Leu653Pro (NM_001317184.2); c.593T>C, p.Leu198Pro (NM_001317185.2); c.176T>C, p.Leu59Pro (NM_001317186.2); short protein forms L198P, L714P, L653P, L59P.
Identifiers: ClinVar variation 1376988 (VCV001376988.6), dbSNP rs2152139650, ClinGen allele CA396467930.
Genomic context (GRCh38, chr16:68,823,603, plus strand): 5'-TCTGTAGGAAGGCACAGCCTGTCGAAGCAGGATTGCAAATTCCTGCCATTCTGGGGATTC[T>C]TGGAGGAATTCTTGCTTTGCTAAGTAAGTCCAGCTGGCAAGTGACTCAGCCTTTGACTTA-3'
Protein context (NP_004351.1, residues 704-724): GLQIPAILGI[Leu714Pro]GGILALLILI